The following is an entry in ClinVar:

ClinVar aggregate classification (germline): Uncertain significance. Review status: criteria provided, multiple submitters, no conflicts (2 of 4 stars). 2 submissions from 2 submitters: Uncertain significance (2). Last evaluated 2025-09-21.

gnomAD v4.1: 33 of 1,613,762 alleles (0.002%); highest among the groups gnomAD compares: Middle Eastern, 0.033%; no homozygotes.

Submissions (2):

Labcorp Genetics (formerly Invitae), Labcorp
Classification: Uncertain significance. Last evaluated: 2025-09-21. Review status: criteria provided, single submitter. Criteria: Invitae Variant Classification Sherloc (09022015). Collection method: clinical testing. Allele origin: germline.
Comment: This sequence change replaces isoleucine, which is neutral and non-polar, with valine, which is neutral and non-polar, at codon 784 of the TOP2B protein (p.Ile784Val). This variant is present in population databases (no rsID available, gnomAD 0.004%). This variant has not been reported in the literature in individuals affected with TOP2B-related conditions. ClinVar contains an entry for this variant (Variation ID: 1355687). An algorithm developed to predict the effect of missense changes on protein structure and function (PolyPhen-2) suggests that this variant is likely to be disruptive. In summary, the available evidence is currently insufficient to determine the role of this variant in disease. Therefore, it has been classified as a Variant of Uncertain Significance.

Ambry Genetics
Classification: Uncertain significance. Last evaluated: 2025-01-27. Review status: criteria provided, single submitter. Criteria: Ambry Variant Classification Scheme 2023. Collection method: clinical testing. Allele origin: germline.

NM_001330700.2(TOP2B):c.2365A>G (p.Ile789Val)

Gene: TOP2B (DNA topoisomerase II beta; minus strand). Cytogenetic location: 3p24.2.
Variant type: single nucleotide variant.
Coding change: c.2365A>G on transcript NM_001330700.2 (MANE Select); coding-DNA position 2365, A replaced by G.
Protein change: p.Ile789Val; replaces isoleucine 789 with valine.
Molecular consequence: missense variant.
Genome position (GRCh38, 1-based): chr3:25,624,427, T>C on the plus strand (A>G on the coding strand, the complement: TOP2B is on the minus strand). VCF-style: chr3-25624427-T-C. GRCh37 (hg19) VCF-style: chr3-25665918-T-C.
Other names: c.2350A>G, p.Ile784Val (NM_001068.3); c.2350A>G (NM_001068.2); short protein forms I789V, I784V.
Identifiers: ClinVar variation 1355687 (VCV001355687.7), dbSNP rs765406415, ClinGen allele CA351903185.